The following is an entry in ClinVar:

NM_015192.4(PLCB1):c.89A>G (p.Lys30Arg)

Gene: PLCB1 (phospholipase C beta 1; plus strand). Cytogenetic location: 20p12.3.
Variant type: single nucleotide variant.
Coding change: c.89A>G on transcript NM_015192.4 (MANE Select); coding-DNA position 89, A replaced by G.
Protein change: p.Lys30Arg; replaces lysine 30 with arginine.
Molecular consequence: missense variant.
Genome position (GRCh38, 1-based): chr20:8,132,740, A>G. VCF-style: chr20-8132740-A-G. GRCh37 (hg19) VCF-style: chr20-8113387-A-G.
Other names: c.89A>G, p.Lys30Arg (NM_182734.3); short protein forms K30R.
Identifiers: ClinVar variation 853032 (VCV000853032.1), dbSNP rs772081862, ClinGen allele CA9759534.

ClinVar aggregate classification (germline): Uncertain significance (1 of 4 stars; one submission).

Conditions:
Developmental and epileptic encephalopathy, 12 (DEE12). Identifiers: MedGen C3150988, MONDO:0013389, OMIM 613722.

Allele frequency attached by ClinVar (database versions not stated): gnomAD exomes below 0.00001; ExAC 0.00001.
gnomAD v4.1: 1 of 1,610,864 alleles (0.000062%); highest among the groups gnomAD compares: East Asian, 0.0022%; no homozygotes.

Submission:

Labcorp Genetics (formerly Invitae), Labcorp
Classification: Uncertain significance for Early infantile epileptic encephalopathy 12. Last evaluated: 2019-11-29. Review status: criteria provided, single submitter. Criteria: Invitae Variant Classification Sherloc (09022015). Collection method: clinical testing. Allele origin: germline.
Comment: This sequence change replaces lysine with arginine at codon 30 of the PLCB1 protein (p.Lys30Arg). The lysine residue is moderately conserved and there is a small physicochemical difference between lysine and arginine. This variant is present in population databases (rs772081862, ExAC 0.01%). This variant has not been reported in the literature in individuals with PLCB1-related conditions. Algorithms developed to predict the effect of missense changes on protein structure and function (SIFT, PolyPhen-2, Align-GVGD) all suggest that this variant is likely to be tolerated, but these predictions have not been confirmed by published functional studies and their clinical significance is uncertain. Algorithms developed to predict the effect of sequence changes on RNA splicing suggest that this variant may create or strengthen a splice site, but this prediction has not been confirmed by published transcriptional studies. In summary, the available evidence is currently insufficient to determine the role of this variant in disease. Therefore, it has been classified as a Variant of Uncertain Significance.